The following is an entry in ClinVar:

NC_000009.12:g.35658026_35658047dup

Gene: RMRP (RNA component of mitochondrial RNA processing endoribonuclease; minus strand). Cytogenetic location: 9p13.3.
Variant type: Duplication.
Genome position: GRCh38 VCF-style: chr9-35658024-C-CTCAGCTTCACAGAGTAGTATTT. GRCh37 (hg19) VCF-style: chr9-35658021-C-CTCAGCTTCACAGAGTAGTATTT.
Identifiers: ClinVar variation 1454467 (VCV001454467.8), dbSNP rs1823640030, ClinGen allele CA1123199878.

ClinVar aggregate classification (germline): Pathogenic (1 of 4 stars; one submission).

Conditions:
Anauxetic dysplasia. Identifiers: Orphanet 93347, MedGen C1846796, MONDO:0011773.

Submission:

Labcorp Genetics (formerly Invitae), Labcorp
Classification: Pathogenic for Anauxetic dysplasia. Last evaluated: 2023-02-26. Review status: criteria provided, single submitter. Criteria: Invitae Variant Classification Sherloc (09022015). Collection method: clinical testing. Allele origin: germline.
Comment: For these reasons, this variant has been classified as Pathogenic. While functional studies for this variant have not been reported, experimental analyses using patient derived cells, as well as in vitro transfection studies, have shown that promoter insertions result in silencing of RMRP transcription and reduced expression of the gene product (PMID: 11207361, 16254002). While this particular variant has not been reported in the literature, it is located in the promoter region between the TATA box and the transcription initiation site, and other insertions and duplications immediately upstream of the coding sequence have been reported in individuals affected with cartilage-hair hypoplasia-anauxetic dysplasia (CHH-AD) spectrum disorders (PMID: 16244706, 11207361, 12107819). This variant is not present in population databases (gnomAD no frequency). This variant occurs in the RMRP gene, which encodes an RNA molecule that does not result in a protein product.

Literature cited by the submitters: PubMed 11207361; PubMed 16254002; PubMed 16244706; PubMed 12107819.